The following is an entry in ClinVar:

ClinVar aggregate classification (germline): Uncertain significance (1 of 4 stars; one submission).

Conditions:
Hereditary cancer-predisposing syndrome. Also called: Neoplastic Syndromes, Hereditary; Tumor predisposition; Hereditary Cancer Syndrome; Hereditary neoplastic syndrome. Identifiers: Orphanet 140162, MedGen C0027672, MeSH D009386, MONDO:0015356.

Submission:

Ambry Genetics
Classification: Uncertain significance for Hereditary cancer-predisposing syndrome. Last evaluated: 2026-01-12. Review status: criteria provided, single submitter. Criteria: Ambry Variant Classification Scheme 2023. Collection method: clinical testing. Allele origin: germline.
Comment: The p.S1074R variant (also known as c.3220A>C), located in coding exon 14 of the MET gene, results from an A to C substitution at nucleotide position 3220. The serine at codon 1074 is replaced by arginine, an amino acid with dissimilar properties. This amino acid position is conserved. In addition, this alteration is predicted to be deleterious by in silico analysis. Based on the available evidence, the clinical significance of this variant remains unclear.

NM_000245.4(MET):c.3166A>C (p.Ser1056Arg)

Gene: MET (MET proto-oncogene, receptor tyrosine kinase; plus strand). Cytogenetic location: 7q31.2.
Variant type: single nucleotide variant.
Coding change: c.3166A>C on transcript NM_000245.4 (MANE Select); coding-DNA position 3166, A replaced by C.
Protein change: p.Ser1056Arg; replaces serine 1056 with arginine.
Molecular consequence: missense variant.
Genome position (GRCh38, 1-based): chr7:116,775,018, A>C. VCF-style: chr7-116775018-A-C. GRCh37 (hg19) VCF-style: chr7-116415072-A-C.
Other names: c.3220A>C, p.Ser1074Arg (NM_001127500.3); c.1876A>C, p.Ser626Arg (NM_001324402.2); short protein forms S1074R, S1056R, S626R.
Identifiers: ClinVar variation 4843771 (VCV004843771.1).
Genomic context (GRCh38, chr7:116,775,018, plus strand): 5'-ACTAGTGGGGACTCTGATATATCCAGTCCATTACTGCAAAATACTGTCCACATTGACCTC[A>C]GTGCTCTAAATCCAGAGCTGGTCCAGGCAGTGCAGCATGTAGTGATTGGGCCCAGTAGCC-3'
Protein context (NP_000236.2, residues 1046-1066): LLQNTVHIDL[Ser1056Arg]ALNPELVQAV